The following is an entry in ClinVar:

NM_001377530.1(DMBT1):c.1420+7C>T

Gene: DMBT1 (deleted in malignant brain tumors 1; plus strand). Cytogenetic location: 10q26.13.
Variant type: single nucleotide variant.
Coding change: c.1420+7C>T on transcript NM_001377530.1 (MANE Select); 7 bases into the intron after coding-DNA position 1420, C replaced by T.
Molecular consequence: intron variant.
Genome position (GRCh38, 1-based): chr10:122,584,358, C>T. VCF-style: chr10-122584358-C-T. GRCh37 (hg19) VCF-style: chr10-124343874-C-T.
Other names: c.1420+7C>T (NM_007329.2, NM_007329.3, NM_001320644.2 and 1 more transcripts); c.1391-913C>T (NM_017579.3).
Identifiers: ClinVar variation 2640908 (VCV002640908.25), dbSNP rs559027701, ClinGen allele CA5726755.
Genomic context (GRCh38, chr10:122,584,358, plus strand): 5'-GATCTGACCTCCTCTTTCTCACAGCTGCCCACTCCTGGTCGACGCCCAGTCCAGGTGAGT[C>T]CCCAGTGTCCTTCCTTGGGATGTCCCTTCTCTTTCTGTATAATTATCCCTTTCTGCACTC-3'

ClinVar aggregate classification (germline): Likely benign. Review status: criteria provided, single submitter (1 of 4 stars). 2 submissions from 2 submitters: Likely benign (1). 1 of the submissions does not count toward it. Last evaluated 2026-01-01.

Conditions:
DMBT1-related disorder. Also called: DMBT1-related condition.

Allele frequency attached by ClinVar (database versions not stated): 1000 Genomes Project 0.00040; 1000 Genomes Project 30x 0.00094; gnomAD 0.00279; ExAC 0.00425.
gnomAD v4.1: 1,480 of 515,076 alleles (0.29%); highest among the groups gnomAD compares: Non-Finnish European, 0.44%; 75 homozygotes.

Submissions (2):

CeGaT Center for Human Genetics Tuebingen
Classification: Likely benign. Last evaluated: 2026-01-01. Review status: criteria provided, single submitter. Criteria: CeGaT Center For Human Genetics Tuebingen Variant Classification Criteria Version 2. Collection method: clinical testing. Allele origin: germline. Affected: yes. Observed: 4 variant alleles.
Comment: DMBT1: BP4, BS2

PreventionGenetics, part of Exact Sciences
Classification: Likely benign for DMBT1-related condition. Last evaluated: 2019-05-23. Review status: no assertion criteria provided. Collection method: clinical testing. Allele origin: germline. Not counted in ClinVar's aggregate classification.
Comment: This variant is classified as likely benign based on ACMG/AMP sequence variant interpretation guidelines (Richards et al. 2015 PMID: 25741868, with internal and published modifications).